The following is an entry in ClinVar:

ClinVar aggregate classification (germline): Benign. Review status: criteria provided, multiple submitters, no conflicts (2 of 4 stars). 8 submissions from 8 submitters: Benign (8). Last evaluated 2026-02-04.

Conditions:
Anophthalmia-microphthalmia syndrome. Also called: Anophthalmia - microphthalmia; Anophthalmia/Microphthalmia. Identifiers: Orphanet 98555, MedGen C5680330, MONDO:0020147.
Colobomatous optic disc-macular atrophy-chorioretinopathy syndrome (ODRMD). Also called: OPTIC DISC ANOMALIES WITH RETINAL AND/OR MACULAR DYSTROPHY. Identifiers: Orphanet 435930, MedGen C4225424, MONDO:0008927, OMIM 212550.

Allele frequency attached by ClinVar (database versions not stated): gnomAD 0.45394 and 0.45414; 1000 Genomes Project 0.34145; 1000 Genomes Project 30x 0.34400; TOPMed 0.43001; ESP Exome Variant Server 0.43564; ExAC 0.51526; gnomAD exomes 0.53070.
gnomAD v4.1: 908,621 of 1,612,972 alleles (56%); highest among the groups gnomAD compares: Admixed American, 65%; 270,703 homozygotes.

Submissions (8):

Labcorp Genetics (formerly Invitae), Labcorp
Classification: Benign. Last evaluated: 2026-02-04. Review status: criteria provided, single submitter. Criteria: Invitae Variant Classification Sherloc (09022015). Collection method: clinical testing. Allele origin: germline.

Genome-Nilou Lab
Classification: Benign for Colobomatous optic disc-macular atrophy-chorioretinopathy syndrome. Last evaluated: 2021-07-15. Review status: criteria provided, single submitter. Criteria: ACMG Guidelines, 2015. Collection method: clinical testing. Allele origin: germline. Affected: no.

Mendelics
Classification: Benign for Colobomatous optic disc-macular atrophy-chorioretinopathy syndrome. Last evaluated: 2019-05-28. Review status: criteria provided, single submitter. Criteria: Mendelics Assertion Criteria 2017. Collection method: clinical testing. Allele origin: unknown.

SIB Swiss Institute of Bioinformatics
Classification: Benign. Last evaluated: 2018-05-31. Review status: criteria provided, single submitter. Criteria: ACMG Guidelines, 2015. Collection method: curation. Allele origin: unknown.
Comment: This variant is interpreted as a Benign - Stand Alone. The following ACMG Tag(s) were applied: BA1 => Allele frequency is >5% in Exome Sequencing Project, 1000 Genomes Project, or Exome Aggregation Consortium.

Illumina Laboratory Services, Illumina
Classification: Benign for Anophthalmia-microphthalmia syndrome. Last evaluated: 2018-01-12. Review status: criteria provided, single submitter. Criteria: ICSL Variant Classification Criteria 13 December 2019. Collection method: clinical testing. Allele origin: germline.
Comment: This variant was observed in the ICSL laboratory as part of a predisposition screen in an ostensibly healthy population. It had not been previously curated by ICSL or reported in the Human Gene Mutation Database (HGMD: prior to June 1st, 2018), and was therefore a candidate for classification through an automated scoring system. Utilizing variant allele frequency, disease prevalence and penetrance estimates, and inheritance mode, an automated score was calculated to assess if this variant is too frequent to cause the disease. Based on the score and internal cut-off values, a variant classified as benign is not then subjected to further curation. The score for this variant resulted in a classification of benign for this disease.

GeneDx
Classification: Benign. Last evaluated: 2015-03-03. Review status: criteria provided, single submitter. Criteria: GeneDx Variant Classification Process June 2021. Collection method: clinical testing. Allele origin: germline. Affected: yes.
Comment: This variant is associated with the following publications: (PMID: 26365380, 27013732, 24875647, 25537207)

Breakthrough Genomics
Classification: Benign. Review status: criteria provided, single submitter. Criteria: ACMG Guidelines, 2015. Collection method: not provided. Allele origin: germline. Inheritance: Autosomal recessive inheritance. Affected: yes.

PreventionGenetics, part of Exact Sciences
Classification: Benign. Review status: criteria provided, single submitter. Criteria: ACMG Guidelines, 2015. Collection method: clinical testing. Allele origin: germline.

NM_007374.3(SIX6):c.421C>A (p.His141Asn)

Genes: C14orf39 (chromosome 14 open reading frame 39; minus strand), SIX6 (SIX homeobox 6; plus strand). Cytogenetic location: 14q23.1.
Variant type: single nucleotide variant.
Coding change: c.421C>A on transcript NM_007374.3 (MANE Select); coding-DNA position 421, C replaced by A.
Protein change: p.His141Asn; replaces histidine 141 with asparagine.
Molecular consequence: missense variant.
Genome position (GRCh38, 1-based): chr14:60,509,819, C>A. VCF-style: chr14-60509819-C-A. GRCh37 (hg19) VCF-style: chr14-60976537-C-A.
Other names: NM_007374.2(SIX6):c.421C>A(p.His141Asn); short protein forms H141N.
Identifiers: ClinVar variation 260163 (VCV000260163.19), dbSNP rs33912345, ClinGen allele CA7212590.